The following is an entry in ClinVar:

ClinVar aggregate classification (germline): Uncertain significance. Review status: criteria provided, multiple submitters, no conflicts (2 of 4 stars). 4 submissions from 4 submitters: Uncertain significance (3). 1 of the submissions does not count toward it. Last evaluated 2026-04-29.

Conditions:
Retinal dystrophy. Also called: Inherited retinal dystrophy. Identifiers: Orphanet 71862, MedGen C0854723, MeSH D058499, MONDO:0019118, HP:0000556.
RHO-related disorder. Also called: RHO-related condition.

Submissions (4):

PreventionGenetics, part of Exact Sciences
Classification: Uncertain significance for RHO-related condition. Last evaluated: 2026-04-29. Review status: criteria provided, single submitter. Criteria: ACMG Guidelines, 2015. Collection method: clinical testing. Allele origin: germline.
Comment: The RHO c.598_600delAAC variant is predicted to result in an in-frame deletion (p.Asn200del). To our knowledge, this variant has not been reported in the literature. This variant is reported in 0.014% of alleles in individuals of Latino descent in gnomAD. At this time, the clinical significance of this variant is uncertain due to the absence of conclusive functional and genetic evidence.

Labcorp Genetics (formerly Invitae), Labcorp
Classification: Uncertain significance. Last evaluated: 2023-11-06. Review status: criteria provided, single submitter. Criteria: Invitae Variant Classification Sherloc (09022015). Collection method: clinical testing. Allele origin: germline.
Comment: This variant, c.598_600del, results in the deletion of 1 amino acid(s) of the RHO protein (p.Asn200del), but otherwise preserves the integrity of the reading frame. This variant is present in population databases (rs756162630, gnomAD 0.01%). This variant has not been reported in the literature in individuals affected with RHO-related conditions. Experimental studies and prediction algorithms are not available or were not evaluated, and the functional significance of this variant is currently unknown. In summary, the available evidence is currently insufficient to determine the role of this variant in disease. Therefore, it has been classified as a Variant of Uncertain Significance.

Blueprint Genetics
Classification: Uncertain significance. Last evaluated: 2019-02-27. Review status: criteria provided, single submitter. Criteria: ACMG Guidelines, 2015. Collection method: clinical testing. Allele origin: germline.

Institute of Human Genetics, Univ. Regensburg, Univ. Regensburg
Classification: Uncertain significance for Retinal dystrophy. Last evaluated: 2016-01-01. Review status: no assertion criteria provided. Criteria: ACMG Guidelines, 2015. Collection method: clinical testing. Allele origin: germline. Affected: yes. Not counted in ClinVar's aggregate classification.

NM_000539.3(RHO):c.595AAC[1] (p.Asn200del)

Gene: RHO (rhodopsin; plus strand). Cytogenetic location: 3q22.1.
Variant type: Microsatellite.
Coding change: c.595AAC[1] on transcript NM_000539.3 (MANE Select); one copy of the 3-base unit AAC starting at c.595; the reference has two copies in a row; one copy, 3 bases deleted; also written c.598_600del.
Protein change: p.Asn200del; deletes asparagine 200.
Molecular consequence: inframe deletion.
Genome position (GRCh38, 1-based): chr3:129,532,318-129,532,320, AAC deleted; deleting any 3 consecutive bases within chr3:129,532,314-129,532,320 gives the same sequence; the position shown is the placement nearest the transcript's 3' end. VCF-style (leftmost placement, unchanged base first): chr3-129532313-TCAA-T. GRCh37 (hg19) VCF-style: chr3-129251156-TCAA-T.
Other names: c.598_600delAAC (NM_000539.3); c.598_600del (NM_000539.3); short protein forms N200del.
Identifiers: ClinVar variation 1965801 (VCV001965801.8), dbSNP rs756162630, ClinGen allele CA2607216.